The following is an entry in ClinVar:

NM_018947.6(CYCS):c.94A>C (p.Asn32His)

Gene: CYCS (cytochrome c, somatic; minus strand). Cytogenetic location: 7p15.3.
Variant type: single nucleotide variant.
Coding change: c.94A>C on transcript NM_018947.6 (MANE Select); coding-DNA position 94, A replaced by C.
Protein change: p.Asn32His; replaces asparagine 32 with histidine.
Molecular consequence: missense variant.
Genome position (GRCh38, 1-based): chr7:25,124,026, T>G on the plus strand (A>C on the coding strand, the complement: CYCS is on the minus strand). VCF-style: chr7-25124026-T-G. GRCh37 (hg19) VCF-style: chr7-25163645-T-G.
Other names: short protein forms N32H.
Identifiers: ClinVar variation 1684430 (VCV001684430.1), dbSNP rs2128577599, ClinGen allele CA367060445.

ClinVar aggregate classification (germline): Uncertain significance (0 of 4 stars; one submission).

Conditions:
Thrombocytopenia 4 (THC4). Also called: THROMBOCYTOPENIA, AUTOSOMAL DOMINANT, 4. Identifiers: Orphanet 268322, MedGen C2677608, MONDO:0012775, OMIM 612004.

Submission:

ISTH-SSC Genomics in Thrombosis and Hemostasis, KU Leuven, Center for Molecular and Vascular Biology
Classification: Uncertain significance for Thrombocytopenia 4. Review status: no assertion criteria provided. Collection method: research. Allele origin: unknown. Affected: yes.
Comment: Submitted to GoldVariant by Dr Karyn Mégy from NIHR Bioresource - Cambridge University, UK